The following is an entry in ClinVar:

NM_005908.4(MANBA):c.778A>G (p.Thr260Ala)

Gene: MANBA (mannosidase beta; minus strand). Cytogenetic location: 4q24.
Variant type: single nucleotide variant.
Coding change: c.778A>G on transcript NM_005908.4 (MANE Select); coding-DNA position 778, A replaced by G.
Protein change: p.Thr260Ala; replaces threonine 260 with alanine.
Molecular consequence: missense variant.
Genome position (GRCh38, 1-based): chr4:102,690,667, T>C on the plus strand (A>G on the coding strand, the complement: MANBA is on the minus strand). VCF-style: chr4-102690667-T-C. GRCh37 (hg19) VCF-style: chr4-103611824-T-C.
Other names: short protein forms T260A.
Identifiers: ClinVar variation 1054169 (VCV001054169.2), dbSNP rs762887276, ClinGen allele CA3027107.
Genomic context (GRCh38, chr4:102,690,667, plus strand): 5'-TCACAAATAGCTCAACAATCCTTTTCCCAGGTTGAAGTTCAATGCTGTATGTCTGTTGTG[T>C]TTGCAACTTAGGGATGGCTACGATCACTTGACCACCAACTGGCTTTGAGCTGACAACATC-3'
Protein context (NP_005899.3, residues 250-270): QVIVAIPKLQ[Thr260Ala]QQTYSIELQP

ClinVar aggregate classification (germline): Uncertain significance (1 of 4 stars; one submission).

Conditions:
Beta-D-mannosidosis (MANSB). Also called: Beta-Mannosidosis; MANNOSIDOSIS, BETA A, LYSOSOMAL; BETA-MANNOSIDASE DEFICIENCY; LYSOSOMAL BETA-MANNOSIDASE DEFICIENCY. Identifiers: Orphanet 118, MedGen C4048196, MONDO:0009562, OMIM 248510.

Allele frequency attached by ClinVar (database versions not stated): TOPMed 0.00001; gnomAD exomes 0.00002 and 0.00001; gnomAD 0.00002; ExAC 0.00003.
gnomAD v4.1: 15 of 1,612,074 alleles (0.00093%); highest among the groups gnomAD compares: South Asian, 0.0011%; no homozygotes.

Submission:

Labcorp Genetics (formerly Invitae), Labcorp
Classification: Uncertain significance for Beta-D-mannosidosis. Last evaluated: 2021-09-01. Review status: criteria provided, single submitter. Criteria: Invitae Variant Classification Sherloc (09022015). Collection method: clinical testing. Allele origin: germline.
Comment: This sequence change replaces threonine with alanine at codon 260 of the MANBA protein (p.Thr260Ala). The threonine residue is moderately conserved and there is a small physicochemical difference between threonine and alanine. This variant is present in population databases (rs762887276, ExAC 0.006%). This variant has not been reported in the literature in individuals affected with MANBA-related conditions. Algorithms developed to predict the effect of missense changes on protein structure and function (SIFT, PolyPhen-2, Align-GVGD) all suggest that this variant is likely to be tolerated. In summary, the available evidence is currently insufficient to determine the role of this variant in disease. Therefore, it has been classified as a Variant of Uncertain Significance.